The following is an entry in ClinVar:

ClinVar aggregate classification (germline): Likely benign. Review status: criteria provided, multiple submitters, no conflicts (2 of 4 stars). 2 submissions from 2 submitters: Likely benign (2). Last evaluated 2018-06-15.

Allele frequency attached by ClinVar (database versions not stated): 1000 Genomes Project 0.01158; 1000 Genomes Project 30x 0.01296; gnomAD 0.02689 and 0.02787; TOPMed 0.02738.
gnomAD v4.1: 26,545 of 820,962 alleles (3.2%); highest among the groups gnomAD compares: Non-Finnish European, 4.1%; 566 homozygotes.

Submissions (2):

GeneDx
Classification: Likely benign. Last evaluated: 2018-06-15. Review status: criteria provided, single submitter. Criteria: GeneDx Variant Classification (06012015). Collection method: clinical testing. Allele origin: germline. Affected: yes.
Comment: This variant is considered likely benign or benign based on one or more of the following criteria: it is a conservative change, it occurs at a poorly conserved position in the protein, it is predicted to be benign by multiple in silico algorithms, and/or has population frequency not consistent with disease.

Breakthrough Genomics
Classification: Likely benign. Review status: criteria provided, single submitter. Criteria: ACMG Guidelines, 2015. Collection method: not provided. Allele origin: germline. Inheritance: Autosomal dominant inheritance. Affected: yes.

NM_004360.5(CDH1):c.48+136C>G

Gene: CDH1 (cadherin 1; plus strand). Cytogenetic location: 16q22.1.
Variant type: single nucleotide variant.
Coding change: c.48+136C>G on transcript NM_004360.5 (MANE Select); 136 bases into the intron after coding-DNA position 48, C replaced by G.
Molecular consequence: intron variant.
Genome position (GRCh38, 1-based): chr16:68,737,599, C>G. VCF-style: chr16-68737599-C-G. GRCh37 (hg19) VCF-style: chr16-68771502-C-G.
Other names: c.-1568+136C>G (NM_001317185.2); c.-1772+136C>G (NM_001317186.2); c.48+136C>G (NM_001317184.2).
Identifiers: ClinVar variation 676531 (VCV000676531.2), dbSNP rs36037011, ClinGen allele CA14249978.
Genomic context (GRCh38, chr16:68,737,599, plus strand): 5'-CTCCCGTCGTCACCGCTTCCCTTCTTCCAAGAAAGTTCGGGTCCTGAGGAGCGGAGCGGC[C>G]TGGAAGCCTCGCGCGCTCCGGACCCCCCAGTGATGGGAGTGGGGGGTGGGTGGTGAGGGG-3'